The following is an entry in ClinVar:

ClinVar aggregate classification (germline): Uncertain significance (1 of 4 stars; one submission).

Conditions:
Malignant hyperthermia, susceptibility to, 5 (MHS5). Also called: CACNA1S-Related Malignant Hyperthermia Susceptibility. Identifiers: Orphanet 423, MedGen C1866077, MONDO:0011163, OMIM 601887.
Hypokalemic periodic paralysis, type 1. Also called: HypoPP; Hypokalemic Periodic Paralysis Type 1 (AD). Identifiers: Orphanet 681, MedGen C3714580, MONDO:0042979, OMIM 170400.

Allele frequency attached by ClinVar (database versions not stated): gnomAD exomes below 0.00001; ExAC 0.00001.

Submission:

Labcorp Genetics (formerly Invitae), Labcorp
Classification: Uncertain significance for Hypokalemic periodic paralysis, type 1; Malignant hyperthermia, susceptibility to, 5. Last evaluated: 2023-03-25. Review status: criteria provided, single submitter. Criteria: Invitae Variant Classification Sherloc (09022015). Collection method: clinical testing. Allele origin: germline.
Comment: This sequence change replaces glycine, which is neutral and non-polar, with serine, which is neutral and polar, at codon 263 of the CACNA1S protein (p.Gly263Ser). This variant is not present in population databases (gnomAD no frequency). This variant has not been reported in the literature in individuals affected with CACNA1S-related conditions. Advanced modeling of protein sequence and biophysical properties (such as structural, functional, and spatial information, amino acid conservation, physicochemical variation, residue mobility, and thermodynamic stability) performed at Invitae indicates that this missense variant is not expected to disrupt CACNA1S protein function. Algorithms developed to predict the effect of sequence changes on RNA splicing suggest that this variant may disrupt the consensus splice site. In summary, the available evidence is currently insufficient to determine the role of this variant in disease. Therefore, it has been classified as a Variant of Uncertain Significance.

NM_000069.3(CACNA1S):c.787G>A (p.Gly263Ser)

Gene: CACNA1S (calcium voltage-gated channel subunit alpha1 S; minus strand). Cytogenetic location: 1q32.1.
Variant type: single nucleotide variant.
Coding change: c.787G>A on transcript NM_000069.3 (MANE Select); coding-DNA position 787, G replaced by A.
Protein change: p.Gly263Ser; replaces glycine 263 with serine.
Molecular consequence: missense variant.
Genome position (GRCh38, 1-based): chr1:201,089,371, C>T on the plus strand (G>A on the coding strand, the complement: CACNA1S is on the minus strand). VCF-style: chr1-201089371-C-T. GRCh37 (hg19) VCF-style: chr1-201058499-C-T.
Other names: short protein forms G263S.
Identifiers: ClinVar variation 2936176 (VCV002936176.3), dbSNP rs770859615, ClinGen allele CA084000.